The following is an entry in ClinVar:

ClinVar aggregate classification (germline): Benign. Review status: criteria provided, multiple submitters, no conflicts (2 of 4 stars). 17 submissions from 17 submitters: Benign (13). 4 of the submissions do not count toward it. Last evaluated 2026-02-04.

Conditions:
Hereditary cancer-predisposing syndrome. Also called: Tumor predisposition; Neoplastic Syndromes, Hereditary; Hereditary neoplastic syndrome; Hereditary Cancer Syndrome. Identifiers: Orphanet 140162, MedGen C0027672, MeSH D009386, MONDO:0015356.
Bloom syndrome (BLM). Also called: Bloom-Torre-Machacek syndrome. Identifiers: Orphanet 125, MedGen C0005859, MONDO:0008876, OMIM 210900.

Allele frequency attached by ClinVar (database versions not stated): gnomAD 0.00482 and 0.00346; gnomAD exomes 0.00341 and 0.00982; 1000 Genomes Project 0.02296; ESP Exome Variant Server 0.00062; ExAC 0.00859; TOPMed 0.00577; 1000 Genomes Project 30x 0.02139.
gnomAD v4.1: 5,892 of 1,612,942 alleles (0.37%); highest among the groups gnomAD compares: East Asian, 9.4%; 234 homozygotes.

Submissions (17):

Labcorp Genetics (formerly Invitae), Labcorp
Classification: Benign for Bloom syndrome. Last evaluated: 2026-02-04. Review status: criteria provided, single submitter. Criteria: Invitae Variant Classification Sherloc (09022015). Collection method: clinical testing. Allele origin: germline.

Quest Diagnostics Nichols Institute San Juan Capistrano
Classification: Benign. Last evaluated: 2025-05-31. Review status: criteria provided, single submitter. Criteria: Quest Diagnostics criteria. Collection method: clinical testing. Allele origin: unknown.

Mayo Clinic Laboratories, Mayo Clinic
Classification: Benign. Last evaluated: 2025-05-28. Review status: criteria provided, single submitter. Criteria: ACMG Guidelines, 2015. Collection method: clinical testing. Allele origin: germline. Observed: 3 variant alleles.
Comment: BA1, BP4

ARUP Laboratories, Molecular Genetics and Genomics, ARUP Laboratories
Classification: Benign for Bloom syndrome. Last evaluated: 2025-03-04. Review status: criteria provided, single submitter. Criteria: ARUP Molecular Germline Variant Investigation Process 2024. Collection method: clinical testing. Allele origin: germline.

KCCC/NGS Laboratory, Kuwait Cancer Control Center
Classification: Benign for Bloom syndrome. Last evaluated: 2023-07-07. Review status: criteria provided, single submitter. Criteria: ACMG Guidelines, 2015. Collection method: clinical testing. Allele origin: germline. Affected: yes.

Sema4
Classification: Benign for Hereditary cancer-predisposing syndrome. Last evaluated: 2020-11-06. Review status: criteria provided, single submitter. Criteria: Sema4 Curation Guidelines. Collection method: curation. Allele origin: germline.

Illumina Laboratory Services, Illumina
Classification: Benign for Bloom syndrome. Last evaluated: 2018-01-13. Review status: criteria provided, single submitter. Criteria: ICSL Variant Classification Criteria 13 December 2019. Collection method: clinical testing. Allele origin: germline.
Comment: This variant was observed in the ICSL laboratory as part of a predisposition screen in an ostensibly healthy population. It had not been previously curated by ICSL or reported in the Human Gene Mutation Database (HGMD: prior to June 1st, 2018), and was therefore a candidate for classification through an automated scoring system. Utilizing variant allele frequency, disease prevalence and penetrance estimates, and inheritance mode, an automated score was calculated to assess if this variant is too frequent to cause the disease. Based on the score and internal cut-off values, a variant classified as benign is not then subjected to further curation. The score for this variant resulted in a classification of benign for this disease.

Women's Health and Genetics/Laboratory Corporation of America, LabCorp
Classification: Benign. Last evaluated: 2016-08-31. Review status: criteria provided, single submitter. Criteria: LabCorp Variant Classification Summary - May 2015. Collection method: clinical testing. Allele origin: germline.
Comment: Variant summary: The BLM c.893C>T (p.Thr298Met) variant involves the alteration of a non-conserved nucleotide. 3/4 in silico tools predict a benign outcome for this variant (SNPs&GO not captured due to low reliability index). This variant was found in 1165/122686 control chromosomes (43 homozygotes), predominantly observed in the East Asian subpopulation at a frequency of 0.0901317 (780/8654). This frequency is about 25 times the estimated maximal expected allele frequency of a pathogenic BLM variant (0.0035355), suggesting this is likely a benign polymorphism found primarily in the populations of East Asian origin. Additionally, the variant has been reported at the same frequency in control and affected populations, further evidence that this variant is benign (Sakiyama_IJC_2005). One clinical diagnostic laboratory/reputable database has classified this variant as benign. Taken together and based on the high allele frequency in the general population, this variant was classified as benign.

Ambry Genetics
Classification: Benign for Hereditary cancer-predisposing syndrome. Last evaluated: 2016-08-18. Review status: criteria provided, single submitter. Criteria: Ambry Variant Classification Scheme 2023. Collection method: clinical testing. Allele origin: germline.

GeneDx
Classification: Benign. Last evaluated: 2015-03-03. Review status: criteria provided, single submitter. Criteria: GeneDx Variant Classification Process June 2021. Collection method: clinical testing. Allele origin: germline. Affected: yes.
Comment: This variant is associated with the following publications: (PMID: 24728327, 27876123)

Eurofins Ntd Llc (ga)
Classification: Benign. Last evaluated: 2013-03-01. Review status: criteria provided, single submitter. Criteria: EGL Classification Definitions 2015. Collection method: clinical testing. Allele origin: germline. Observed: 1 variant allele, 1 homozygote.

Breakthrough Genomics
Classification: Benign. Review status: criteria provided, single submitter. Criteria: ACMG Guidelines, 2015. Collection method: not provided. Allele origin: germline. Inheritance: Autosomal recessive inheritance. Affected: yes.

PreventionGenetics, part of Exact Sciences
Classification: Benign. Review status: criteria provided, single submitter. Criteria: ACMG Guidelines, 2015. Collection method: clinical testing. Allele origin: germline.

Natera, Inc.
Classification: Benign for Bloom syndrome. Last evaluated: 2017-04-25. Review status: no assertion criteria provided. Collection method: clinical testing. Allele origin: germline. Not counted in ClinVar's aggregate classification.

ITMI
No classification provided. Condition: AllHighlyPenetrant. Last evaluated: 2013-09-19. Review status: no classification provided. Collection method: reference population. Allele origin: germline. Not counted in ClinVar's aggregate classification.
Comment: Please see associated publication for description of ethnicities

Genome Diagnostics Laboratory, Amsterdam University Medical Center
Classification: Benign. Review status: no assertion criteria provided. Collection method: clinical testing. Allele origin: germline. Affected: yes. Study: VKGL Data-share Consensus. Not counted in ClinVar's aggregate classification.

Laboratory of Diagnostic Genome Analysis, Leiden University Medical Center (LUMC)
Classification: Likely benign. Review status: no assertion criteria provided. Collection method: clinical testing. Allele origin: germline. Affected: yes. Study: VKGL Data-share Consensus. Not counted in ClinVar's aggregate classification.

Literature cited by the submitters: PubMed 15609317 (cited by Women's Health and Genetics/Laboratory Corporation of America, LabCorp); PubMed 24728327 (cited by ITMI).

NM_000057.4(BLM):c.893C>T (p.Thr298Met)

Gene: BLM (BLM RecQ like helicase; plus strand). Cytogenetic location: 15q26.1.
Variant type: single nucleotide variant.
Coding change: c.893C>T on transcript NM_000057.4 (MANE Select); coding-DNA position 893, C replaced by T.
Protein change: p.Thr298Met; replaces threonine 298 with methionine.
Molecular consequence: missense variant. On other transcripts: 5 prime UTR variant (1).
Genome position (GRCh38, 1-based): chr15:90,751,880, C>T. VCF-style: chr15-90751880-C-T. GRCh37 (hg19) VCF-style: chr15-91295110-C-T.
Other names: c.893C>T, p.Thr298Met (NM_001287246.2, NM_001287247.2, LRG_20t1); c.-399C>T (NM_001287248.2); short protein forms T298M.
Identifiers: ClinVar variation 92397 (VCV000092397.46), dbSNP rs28384991, ClinGen allele CA145704.